The following is an entry in ClinVar:

NM_000370.3(TTPA):c.279T>G (p.Ile93Met)

Gene: TTPA (alpha tocopherol transfer protein; minus strand). Cytogenetic location: 8q12.3.
Variant type: single nucleotide variant.
Coding change: c.279T>G on transcript NM_000370.3 (MANE Select); coding-DNA position 279, T replaced by G.
Protein change: p.Ile93Met; replaces isoleucine 93 with methionine.
Molecular consequence: missense variant.
Genome position (GRCh38, 1-based): chr8:63,073,014, A>C on the plus strand (T>G on the coding strand, the complement: TTPA is on the minus strand). VCF-style: chr8-63073014-A-C. GRCh37 (hg19) VCF-style: chr8-63985573-A-C.
Other names: short protein forms I93M.
Identifiers: ClinVar variation 1515383 (VCV001515383.3), dbSNP rs146136556, ClinGen allele CA4763286.
Genomic context (GRCh38, chr8:63,073,014, plus strand): 5'-TTTGCTGCCAGTGGGATCCCTGGATCTCAGGACTCCATGGTAGCCAGCCTTTAGGAGGCC[A>C]ATAATACTTCTAGGGTGTAGATCTGCACTTATTTCTGGACATTCTGCTCTCCACTTATAA-3'
Protein context (NP_000361.1, residues 83-103): ISADLHPRSI[Ile93Met]GLLKAGYHGV

ClinVar aggregate classification (germline): Uncertain significance (1 of 4 stars; one submission).

Allele frequency attached by ClinVar (database versions not stated): gnomAD exomes below 0.00001.
gnomAD v4.1: 4 of 1,613,874 alleles (0.00025%); highest among the groups gnomAD compares: African/African-American, 0.004%; no homozygotes.

Submission:

Labcorp Genetics (formerly Invitae), Labcorp
Classification: Uncertain significance. Last evaluated: 2022-03-10. Review status: criteria provided, single submitter. Criteria: Invitae Variant Classification Sherloc (09022015). Collection method: clinical testing. Allele origin: germline.
Comment: This sequence change replaces isoleucine, which is neutral and non-polar, with methionine, which is neutral and non-polar, at codon 93 of the TTPA protein (p.Ile93Met). This variant is present in population databases (rs146136556, gnomAD 0.007%). This variant has not been reported in the literature in individuals affected with TTPA-related conditions. Algorithms developed to predict the effect of missense changes on protein structure and function (SIFT, PolyPhen-2, Align-GVGD) all suggest that this variant is likely to be tolerated. In summary, the available evidence is currently insufficient to determine the role of this variant in disease. Therefore, it has been classified as a Variant of Uncertain Significance.